The following is an entry in ClinVar:

NM_000059.4(BRCA2):c.8874G>A (p.Lys2958=)

Gene: BRCA2 (BRCA2 DNA repair associated; plus strand). Cytogenetic location: 13q13.1.
Variant type: single nucleotide variant.
Coding change: c.8874G>A on transcript NM_000059.4 (MANE Select); coding-DNA position 8874, G replaced by A.
Protein change: p.Lys2958=; no amino-acid change (lysine 2958 retained).
Molecular consequence: synonymous variant.
Genome position (GRCh38, 1-based): chr13:32,379,436, G>A. VCF-style: chr13-32379436-G-A. GRCh37 (hg19) VCF-style: chr13-32953573-G-A.
Identifiers: ClinVar variation 184773 (VCV000184773.15), dbSNP rs786201681, ClinGen allele CA025857.

ClinVar aggregate classification (germline): Likely benign. Review status: reviewed by expert panel (3 of 4 stars). 3 submissions from 3 submitters: Likely benign (1). 2 of the submissions do not count toward it. Last evaluated 2017-06-29.

Conditions:
Hereditary cancer-predisposing syndrome. Also called: Tumor predisposition; Hereditary Cancer Syndrome; Hereditary neoplastic syndrome; Neoplastic Syndromes, Hereditary. Identifiers: Orphanet 140162, MedGen C0027672, MeSH D009386, MONDO:0015356.
Hereditary breast ovarian cancer syndrome. Also called: Breast and ovarian cancer; Hereditary breast and ovarian cancer syndrome; Hereditary breast and ovarian cancer; BRCA1- and BRCA2-Associated Hereditary Breast and Ovarian Cancer; Hereditary breast and ovarian cancer syndrome (HBOC); Hereditary breast and/or ovarian cancer syndrome. Identifiers: Orphanet 145, MedGen C0677776, MeSH D061325, MONDO:0003582. Disease mechanism: loss of function.
Breast-ovarian cancer, familial, susceptibility to, 2 (BROVCA2). Also called: BRCA2 Hereditary Breast and Ovarian Cancer. Identifiers: Orphanet 145, MedGen C2675520, MONDO:0012933, OMIM 612555. Disease mechanism: loss of function.

Allele frequency attached by ClinVar (database versions not stated): gnomAD exomes below 0.00001.
gnomAD v4.1: 1 of 1,613,510 alleles (0.000062%); highest among the groups gnomAD compares: Non-Finnish European, 0.000085%; no homozygotes.

Submissions (3):

Evidence-based Network for the Interpretation of Germline Mutant Alleles (ENIGMA)
Classification: Likely benign for Breast-ovarian cancer, familial, susceptibility to, 2. Last evaluated: 2017-06-29. Review status: reviewed by expert panel. Criteria: ENIGMA BRCA1/2 Classification Criteria (2017-06-29). Collection method: curation. Allele origin: germline.
Comment: Synonymous substitution variant, with low bioinformatic likelihood to result in a splicing aberration (Splicing prior probability 0.02).

Labcorp Genetics (formerly Invitae), Labcorp
Classification: Likely benign for Hereditary breast ovarian cancer syndrome. Last evaluated: 2020-11-19. Review status: criteria provided, single submitter. Criteria: Invitae Variant Classification Sherloc (09022015). Collection method: clinical testing. Allele origin: germline. Not counted in ClinVar's aggregate classification.

Ambry Genetics
Classification: Likely benign for Hereditary cancer-predisposing syndrome. Last evaluated: 2016-06-22. Review status: criteria provided, single submitter. Criteria: Ambry Variant Classification Scheme 2023. Collection method: clinical testing. Allele origin: germline. Not counted in ClinVar's aggregate classification.